The following is an entry in ClinVar:

NM_014305.4(TGDS):c.825+4T>A

Gene: TGDS (TDP-glucose 4,6-dehydratase; minus strand). Cytogenetic location: 13q32.1.
Variant type: single nucleotide variant.
Coding change: c.825+4T>A on transcript NM_014305.4 (MANE Select); 4 bases into the intron after coding-DNA position 825, T replaced by A.
Molecular consequence: intron variant.
Genome position (GRCh38, 1-based): chr13:94,578,001, A>T on the plus strand (T>A on the coding strand, the complement: TGDS is on the minus strand). VCF-style: chr13-94578001-A-T. GRCh37 (hg19) VCF-style: chr13-95230255-A-T.
Other names: c.729+4T>A (NM_001304430.2).
Identifiers: ClinVar variation 1523917 (VCV001523917.4), dbSNP rs757254333, ClinGen allele CA7017912.
Genomic context (GRCh38, chr13:94,578,001, plus strand): 5'-TTTGACTAATGGTCACTGCCACTAACAATTTTGAAAATACCAACCTTTTAAAACAGATAC[A>T]TACCAGTTGTATTAGTTCTTTGGCAAGCTGGACAACTGACATTTCAAAATTGGTTCCGAT-3'

ClinVar aggregate classification (germline): Uncertain significance (1 of 4 stars; one submission).

Allele frequency attached by ClinVar (database versions not stated): TOPMed 0.00003; gnomAD exomes 0.00004; ExAC 0.00005; gnomAD 0.00009.
gnomAD v4.1: 57 of 1,612,720 alleles (0.0035%); highest among the groups gnomAD compares: Non-Finnish European, 0.0048%; no homozygotes.

Submission:

Labcorp Genetics (formerly Invitae), Labcorp
Classification: Uncertain significance. Last evaluated: 2023-07-17. Review status: criteria provided, single submitter. Criteria: Invitae Variant Classification Sherloc (09022015). Collection method: clinical testing. Allele origin: germline.
Comment: This sequence change falls in intron 9 of the TGDS gene. It does not directly change the encoded amino acid sequence of the TGDS protein. It affects a nucleotide within the consensus splice site. This variant is present in population databases (rs757254333, gnomAD 0.01%). This variant has not been reported in the literature in individuals affected with TGDS-related conditions. ClinVar contains an entry for this variant (Variation ID: 1523917). Variants that disrupt the consensus splice site are a relatively common cause of aberrant splicing (PMID: 17576681, 9536098). Algorithms developed to predict the effect of sequence changes on RNA splicing suggest that this variant is not likely to affect RNA splicing. In summary, the available evidence is currently insufficient to determine the role of this variant in disease. Therefore, it has been classified as a Variant of Uncertain Significance.

Literature cited by the submitters: PubMed 17576681; PubMed 9536098.